The following is an entry in ClinVar:

NM_002691.4(POLD1):c.597T>C (p.Phe199=)

Gene: POLD1 (DNA polymerase delta 1, catalytic subunit; plus strand). Cytogenetic location: 19q13.33.
Variant type: single nucleotide variant.
Coding change: c.597T>C on transcript NM_002691.4 (MANE Select); coding-DNA position 597, T replaced by C.
Protein change: p.Phe199=; no amino-acid change (phenylalanine 199 retained).
Molecular consequence: synonymous variant. On other transcripts: non-coding transcript variant (1).
Genome position (GRCh38, 1-based): chr19:50,402,212, T>C. VCF-style: chr19-50402212-T-C. GRCh37 (hg19) VCF-style: chr19-50905469-T-C.
Other names: c.597T>C, p.Phe199= (NM_001256849.1, NM_001308632.1).
Identifiers: ClinVar variation 239358 (VCV000239358.16), dbSNP rs878854554, ClinGen allele CA10583815.

ClinVar aggregate classification (germline): Likely benign. Review status: criteria provided, multiple submitters, no conflicts (2 of 4 stars). 3 submissions from 3 submitters: Likely benign (3). Last evaluated 2025-11-18.

Conditions:
POLD1-related polyposis and colorectal cancer syndrome (CRCS10). Also called: COLORECTAL CANCER, SUSCEPTIBILITY TO, ON CHROMOSOME 19q; Colorectal cancer 10; Colorectal cancer, susceptibility to, 10. Identifiers: Orphanet 220460, MedGen C2675481, MONDO:0012953, OMIM 612591.
Hereditary cancer-predisposing syndrome. Also called: Hereditary Cancer Syndrome; Neoplastic Syndromes, Hereditary; Hereditary neoplastic syndrome; Tumor predisposition. Identifiers: Orphanet 140162, MedGen C0027672, MeSH D009386, MONDO:0015356.

Allele frequency attached by ClinVar (database versions not stated): gnomAD exomes below 0.00001; gnomAD 0.00004; TOPMed 0.00004.
gnomAD v4.1: 8 of 1,584,952 alleles (0.0005%); highest among the groups gnomAD compares: African/African-American, 0.011%; no homozygotes.

Submissions (3):

Labcorp Genetics (formerly Invitae), Labcorp
Classification: Likely benign for POLD1-related polyposis and colorectal cancer syndrome. Last evaluated: 2025-11-18. Review status: criteria provided, single submitter. Criteria: Invitae Variant Classification Sherloc (09022015). Collection method: clinical testing. Allele origin: germline.

GeneDx
Classification: Likely benign. Last evaluated: 2018-03-08. Review status: criteria provided, single submitter. Criteria: GeneDx Variant Classification (06012015). Collection method: clinical testing. Allele origin: germline. Affected: yes.
Comment: This variant is considered likely benign or benign based on one or more of the following criteria: it is a conservative change, it occurs at a poorly conserved position in the protein, it is predicted to be benign by multiple in silico algorithms, and/or has population frequency not consistent with disease.

Ambry Genetics
Classification: Likely benign for Hereditary cancer-predisposing syndrome. Last evaluated: 2016-06-27. Review status: criteria provided, single submitter. Criteria: Ambry Variant Classification Scheme 2023. Collection method: clinical testing. Allele origin: germline.